The following is an entry in ClinVar:

NM_017849.4(TMEM127):c.409+22A>G

Gene: TMEM127 (transmembrane protein 127; minus strand). Cytogenetic location: 2q11.2.
Variant type: single nucleotide variant.
Coding change: c.409+22A>G on transcript NM_017849.4 (MANE Select); 22 bases into the intron after coding-DNA position 409, A replaced by G.
Molecular consequence: intron variant.
Genome position (GRCh38, 1-based): chr2:96,254,811, T>C on the plus strand (A>G on the coding strand, the complement: TMEM127 is on the minus strand). VCF-style: chr2-96254811-T-C. GRCh37 (hg19) VCF-style: chr2-96920549-T-C.
Other names: c.157+22A>G (NM_001407283.1, NM_001407282.1); c.409+22A>G (NM_001193304.3).
Identifiers: ClinVar variation 4988576 (VCV004988576.1).
Genomic context (GRCh38, chr2:96,254,811, plus strand): 5'-CAGAGCCCCCACCGGCAACTCAGACAGGATGCCCCCACCCTGTAGCAGTTCCTCTCCCAC[T>C]GTGAGCAGGCTCACGGCTTACCCGTTAGGATATGGGCGAAGGCATAGCGACGAGTGATCT-3'

ClinVar aggregate classification (germline): Uncertain significance (1 of 4 stars; one submission).

Conditions:
TMEM127-related disorder. Also called: TMEM127-related condition.

gnomAD v4.1: 109 of 1,613,586 alleles (0.0068%); highest among the groups gnomAD compares: Middle Eastern, 0.12%; no homozygotes.

Submission:

PreventionGenetics, part of Exact Sciences
Classification: Uncertain significance for TMEM127-related condition. Last evaluated: 2026-01-24. Review status: criteria provided, single submitter. Criteria: ACMG Guidelines, 2015. Collection method: clinical testing. Allele origin: germline.
Comment: The TMEM127 c.409+22A>G variant is predicted to interfere with splicing. This variant was reported in an individual with phaeochromocytoma (Armaiz-Pena et al. 2021. PubMed ID: 33051659). This variant is reported in 0.011% of alleles in individuals of Latino descent in gnomAD. Although we suspect that this variant may be benign, at this time, the clinical significance of this variant is uncertain due to the absence of conclusive functional and genetic evidence.